The following is an entry in ClinVar:

ClinVar aggregate classification (germline): Pathogenic (1 of 4 stars; one submission).

Conditions:
Tuberous sclerosis 2 (TSC2). Identifiers: Orphanet 805, MedGen C1860707, MONDO:0013199, OMIM 613254.

Submission:

Labcorp Genetics (formerly Invitae), Labcorp
Classification: Pathogenic for Tuberous sclerosis 2. Last evaluated: 2019-02-10. Review status: criteria provided, single submitter. Criteria: Invitae Variant Classification Sherloc (09022015). Collection method: clinical testing. Allele origin: germline.
Comment: This sequence change creates a premature translational stop signal (p.Glu1313Aspfs*12) in the TSC2 gene. It is expected to result in an absent or disrupted protein product. This variant is not present in population databases (ExAC no frequency). This variant has not been reported in the literature in individuals with TSC2-related conditions. Loss-of-function variants in TSC2 are known to be pathogenic (PMID: 10205261, 17304050). For these reasons, this variant has been classified as Pathogenic.

Literature cited by the submitters: PubMed 10205261; PubMed 17304050.

NM_000548.5(TSC2):c.3939del (p.Glu1313fs)

Gene: TSC2 (TSC complex subunit 2; plus strand). Cytogenetic location: 16p13.3.
Variant type: Deletion.
Coding change: c.3939del on transcript NM_000548.5 (MANE Select); coding-DNA position 3939, one base deleted (G; older notation c.3939delG).
Protein change: p.Glu1313fs; shifts the reading frame from glutamic acid 1313.
Molecular consequence: frameshift variant.
Genome position (GRCh38, 1-based): chr16:2,083,750, G deleted. VCF-style (leftmost placement, unchanged base first): chr16-2083749-AG-A. GRCh37 (hg19) VCF-style: chr16-2133750-AG-A.
Other names: c.3738del, p.Glu1246fs (NM_001077183.3); c.3870del, p.Glu1290fs (NM_001114382.3); c.3630del, p.Glu1210fs (NM_001318827.2); c.3594del, p.Glu1198fs (NM_001318829.2); c.3207del, p.Glu1069fs (NM_001318831.2); c.3771del, p.Glu1257fs (NM_001318832.2); c.3741del, p.Glu1247fs (NM_001363528.2); c.3807del, p.Glu1269fs (NM_001370404.1); and 1 more; short protein forms E1069fs, E1198fs, E1210fs, E1246fs, E1257fs, E1290fs, E1247fs, E1269fs.
Identifiers: ClinVar variation 835203 (VCV000835203.3), dbSNP rs2090423688, ClinGen allele CA916081761.
Genomic context (GRCh38, chr16:2,083,749, plus strand): 5'-TCCCAGACTCCGCCGTGGTCATGGAGGAGGGAAGTCCGGGCGAGGTTCCTGTGCTGGTGG[AG>A]CCCCCAGGGTTGGAGGACGTTGAGGCAGCGCTAGGCATGGACAGGCGCACGGATGCCTAC-3'